The following is an entry in ClinVar:

ClinVar aggregate classification (germline): Uncertain significance (1 of 4 stars; one submission).

Submission:

Ambry Genetics
Classification: Uncertain significance. Last evaluated: 2023-04-22. Review status: criteria provided, single submitter. Criteria: Ambry Variant Classification Scheme 2023. Collection method: clinical testing. Allele origin: germline.
Comment: The p.E429Q variant (also known as c.1285G>C), located in coding exon 13 of the PRKDC gene, results from a G to C substitution at nucleotide position 1285. The glutamic acid at codon 429 is replaced by glutamine, an amino acid with highly similar properties. This amino acid position is conserved. In addition, this alteration is predicted to be tolerated by in silico analysis. Since supporting evidence is limited at this time, the clinical significance of this alteration remains unclear.

NM_006904.7(PRKDC):c.1285G>C (p.Glu429Gln)

Gene: PRKDC (protein kinase, DNA-activated, catalytic subunit; minus strand). Cytogenetic location: 8q11.21.
Variant type: single nucleotide variant.
Coding change: c.1285G>C on transcript NM_006904.7 (MANE Select); coding-DNA position 1285, G replaced by C.
Protein change: p.Glu429Gln; replaces glutamic acid 429 with glutamine.
Molecular consequence: missense variant.
Genome position (GRCh38, 1-based): chr8:47,935,894, C>G on the plus strand (G>C on the coding strand, the complement: PRKDC is on the minus strand). VCF-style: chr8-47935894-C-G. GRCh37 (hg19) VCF-style: chr8-48848454-C-G.
Other names: c.1285G>C, p.Glu429Gln (NM_001081640.2); short protein forms E429Q.
Identifiers: ClinVar variation 2564527 (VCV002564527.2), dbSNP rs1226872568, ClinGen allele CA371166010.